The following is an entry in ClinVar:

ClinVar aggregate classification (germline): Uncertain significance (1 of 4 stars; one submission).

Conditions:
Cardiovascular phenotype. Identifiers: MedGen CN230736.

Allele frequency attached by ClinVar (database versions not stated): TOPMed 0.00001.
gnomAD v4.1: 9 of 1,549,648 alleles (0.00058%); highest among the groups gnomAD compares: Non-Finnish European, 0.00052%; no homozygotes.

Submission:

Ambry Genetics
Classification: Uncertain significance for Cardiovascular phenotype. Last evaluated: 2023-12-03. Review status: criteria provided, single submitter. Criteria: Ambry Variant Classification Scheme 2023. Collection method: clinical testing. Allele origin: germline.
Comment: The p.P2638H variant (also known as c.7913C>A), located in coding exon 2 of the ZNF469 gene, results from a C to A substitution at nucleotide position 7913. The proline at codon 2638 is replaced by histidine, an amino acid with similar properties. This amino acid position is conserved. In addition, this alteration is predicted to be tolerated by in silico analysis. Since supporting evidence is limited at this time, the clinical significance of this alteration remains unclear.

NM_001367624.2(ZNF469):c.7997C>A (p.Pro2666His)

Gene: ZNF469 (zinc finger protein 469; plus strand). Cytogenetic location: 16q24.2.
Variant type: single nucleotide variant.
Coding change: c.7997C>A on transcript NM_001367624.2 (MANE Select); coding-DNA position 7997, C replaced by A.
Protein change: p.Pro2666His; replaces proline 2666 with histidine.
Molecular consequence: missense variant.
Genome position (GRCh38, 1-based): chr16:88,435,467, C>A. VCF-style: chr16-88435467-C-A. GRCh37 (hg19) VCF-style: chr16-88501875-C-A.
Other names: NM_001127464.1:c.7913C>A; short protein forms P2666H.
Identifiers: ClinVar variation 3232855 (VCV003232855.1), dbSNP rs1421766106, ClinGen allele CA397115587.